The following is an entry in ClinVar:

ClinVar aggregate classification (germline): Conflicting classifications of pathogenicity. Review status: criteria provided, conflicting classifications (1 of 4 stars). 4 submissions from 4 submitters: Uncertain significance (3); Likely benign (1). Last evaluated 2026-07-23.

Conditions:
Pulmonary hypertension, primary, 4. Identifiers: Orphanet 422, MedGen C3809198, MONDO:0014136, OMIM 615344.
KCNK3-related disorder. Also called: KCNK3-related condition.
Inborn genetic diseases. Identifiers: MedGen C0950123, MeSH D030342.

Allele frequency attached by ClinVar (database versions not stated): TOPMed 0.00015; gnomAD exomes 0.00001 and 0.00004; ExAC 0.00007; gnomAD 0.00010 and 0.00011; ESP Exome Variant Server 0.00015.
gnomAD v4.1: 27 of 1,604,024 alleles (0.0017%); highest among the groups gnomAD compares: African/African-American, 0.032%; no homozygotes.

Submissions (4):

PreventionGenetics, part of Exact Sciences
Classification: Likely benign for KCNK3-related condition. Last evaluated: 2026-07-23. Review status: criteria provided, single submitter. Criteria: ACMG Guidelines, 2015. Collection method: clinical testing. Allele origin: germline.
Comment: This variant is classified as likely benign based on ACMG/AMP sequence variant interpretation guidelines (Richards et al. 2015 PMID: 25741868, with internal and published modifications).

Labcorp Genetics (formerly Invitae), Labcorp
Classification: Uncertain significance for Pulmonary hypertension, primary, 4. Last evaluated: 2025-12-31. Review status: criteria provided, single submitter. Criteria: Invitae Variant Classification Sherloc (09022015). Collection method: clinical testing. Allele origin: germline.
Comment: This sequence change replaces lysine, which is basic and polar, with glutamic acid, which is acidic and polar, at codon 316 of the KCNK3 protein (p.Lys316Glu). This variant is present in population databases (rs142003111, gnomAD 0.07%), and has an allele count higher than expected for a pathogenic variant. This variant has not been reported in the literature in individuals affected with KCNK3-related conditions. ClinVar contains an entry for this variant (Variation ID: 1002871). Invitae Evidence Modeling of protein sequence and biophysical properties (such as structural, functional, and spatial information, amino acid conservation, physicochemical variation, residue mobility, and thermodynamic stability) indicates that this missense variant is not expected to disrupt KCNK3 protein function with a negative predictive value of 80%. In summary, the available evidence is currently insufficient to determine the role of this variant in disease. Therefore, it has been classified as a Variant of Uncertain Significance.

Fulgent Genetics
Classification: Uncertain significance for Pulmonary hypertension, primary, 4. Last evaluated: 2024-05-14. Review status: criteria provided, single submitter. Criteria: ACMG Guidelines, 2015. Collection method: clinical testing. Allele origin: germline.

Ambry Genetics
Classification: Uncertain significance for Inborn genetic diseases. Last evaluated: 2024-04-06. Review status: criteria provided, single submitter. Criteria: Ambry Variant Classification Scheme 2023. Collection method: clinical testing. Allele origin: germline.

NM_002246.3(KCNK3):c.946A>G (p.Lys316Glu)

Gene: KCNK3 (potassium two pore domain channel subfamily K member 3; plus strand). Cytogenetic location: 2p23.3.
Variant type: single nucleotide variant.
Coding change: c.946A>G on transcript NM_002246.3 (MANE Select); coding-DNA position 946, A replaced by G.
Protein change: p.Lys316Glu; replaces lysine 316 with glutamic acid.
Molecular consequence: missense variant.
Genome position (GRCh38, 1-based): chr2:26,728,329, A>G. VCF-style: chr2-26728329-A-G. GRCh37 (hg19) VCF-style: chr2-26951197-A-G.
Other names: c.946A>G (NM_002246.2); short protein forms K316E.
Identifiers: ClinVar variation 1002871 (VCV001002871.12), dbSNP rs142003111, ClinGen allele CA1565573.
Genomic context (GRCh38, chr2:26,728,329, plus strand): 5'-TTCCGCAACGTCTACGCGGAGGTGCTGCACTTCCAGTCCATGTGCTCGTGCCTGTGGTAC[A>G]AGAGCCGCGAGAAGCTGCAGTACTCCATCCCCATGATCATCCCGCGGGACCTCTCCACGT-3'
Protein context (NP_002237.1, residues 306-326): FQSMCSCLWY[Lys316Glu]SREKLQYSIP